The following is an entry in ClinVar:

ClinVar aggregate classification (germline): Conflicting classifications of pathogenicity. Review status: criteria provided, conflicting classifications (1 of 4 stars). 4 submissions from 4 submitters: Uncertain significance (1); Likely benign (3). Last evaluated 2026-01-11.

Conditions:
Microcephaly, normal intelligence and immunodeficiency (NBS). Also called: BERLIN BREAKAGE SYNDROME; SEEMANOVA SYNDROME II; Immunodeficiency, microcephaly with normal intelligence; Nijmegen breakage syndrome; Microcephaly with normal intelligence immunodeficiency and lymphoreticular malignancies; Nonsyndromal microcephaly autosomal recessive with normal intelligence. Identifiers: Orphanet 647, MedGen C0398791, MONDO:0009623, OMIM 251260.

Submissions (4):

Labcorp Genetics (formerly Invitae), Labcorp
Classification: Likely benign for Microcephaly, normal intelligence and immunodeficiency. Last evaluated: 2026-01-11. Review status: criteria provided, single submitter. Criteria: Invitae Variant Classification Sherloc (09022015). Collection method: clinical testing. Allele origin: germline.

Quest Diagnostics Nichols Institute San Juan Capistrano
Classification: Uncertain significance. Last evaluated: 2025-03-20. Review status: criteria provided, single submitter. Criteria: Quest Diagnostics criteria. Collection method: clinical testing. Allele origin: unknown.
Comment: The NBN c.896+10dup variant has not been reported in individuals with NBN-related conditions in the published literature. The frequency of this variant in the general population (Genome Aggregation Database) is uninformative in the assessment of its pathogenicity. Analysis of this variant using software algorithms for the prediction of the effect of nucleotide changes on splicing yielded predictions that this variant does not affect NBN mRNA splicing. Based on the available information, we are unable to determine the clinical significance of this variant.

Genetic Services Laboratory, University of Chicago
Classification: Likely benign. Last evaluated: 2020-03-23. Review status: criteria provided, single submitter. Criteria: ACMG Guidelines, 2015. Collection method: clinical testing. Allele origin: germline. Affected: no.

GeneDx
Classification: Likely benign. Last evaluated: 2017-05-04. Review status: criteria provided, single submitter. Criteria: GeneDx Variant Classification (06012015). Collection method: clinical testing. Allele origin: germline. Affected: yes.
Comment: This variant is considered likely benign or benign based on one or more of the following criteria: it is a conservative change, it occurs at a poorly conserved position in the protein, it is predicted to be benign by multiple in silico algorithms, and/or has population frequency not consistent with disease.

NM_002485.5(NBN):c.896+10dup

Gene: NBN (nibrin; minus strand). Cytogenetic location: 8q21.3.
Variant type: Duplication.
Coding change: c.896+10dup on transcript NM_002485.5 (MANE Select); 10 bases into the intron after coding-DNA position 896, one base duplicated (T; older notation c.896+10dupT).
Molecular consequence: intron variant.
Genome position (GRCh38, 1-based): chr8:89,970,354, A duplicated on the plus strand (T on the coding strand, the reverse complement: NBN is on the minus strand); the first of 2 consecutive A bases (chr8:89,970,354-89,970,355); duplicating either gives the same sequence. VCF-style (leftmost placement, unchanged base first): chr8-89970353-T-TA. GRCh37 (hg19) VCF-style: chr8-90982581-T-TA.
Other names: c.896+10dupT (NM_002485.4); c.650+10dup (NM_001024688.3).
Identifiers: ClinVar variation 420858 (VCV000420858.15), dbSNP rs763938484, ClinGen allele CA4802873.